The following is an entry in ClinVar:

NM_000443.4(ABCB4):c.82A>G (p.Lys28Glu)

Gene: ABCB4 (ATP binding cassette subfamily B member 4; minus strand). Cytogenetic location: 7q21.12.
Variant type: single nucleotide variant.
Coding change: c.82A>G on transcript NM_000443.4 (MANE Select); coding-DNA position 82, A replaced by G.
Protein change: p.Lys28Glu; replaces lysine 28 with glutamic acid.
Molecular consequence: missense variant.
Genome position (GRCh38, 1-based): chr7:87,472,674, T>C on the plus strand (A>G on the coding strand, the complement: ABCB4 is on the minus strand). VCF-style: chr7-87472674-T-C. GRCh37 (hg19) VCF-style: chr7-87101990-T-C.
Other names: c.82A>G, p.Lys28Glu (NM_018849.3, NM_018850.3); short protein forms K28E.
Identifiers: ClinVar variation 4762394 (VCV004762394.1).

ClinVar aggregate classification (germline): Uncertain significance (1 of 4 stars; one submission).

gnomAD v4.1: 3 of 1,597,948 alleles (0.00019%); highest among the groups gnomAD compares: African/African-American, 0.0027%; no homozygotes.

Submission:

Labcorp Genetics (formerly Invitae), Labcorp
Classification: Uncertain significance. Last evaluated: 2025-04-08. Review status: criteria provided, single submitter. Criteria: Invitae Variant Classification Sherloc (09022015). Collection method: clinical testing. Allele origin: germline.
Comment: This sequence change replaces lysine, which is basic and polar, with glutamic acid, which is acidic and polar, at codon 28 of the ABCB4 protein (p.Lys28Glu). This variant is not present in population databases (gnomAD no frequency). This variant has not been reported in the literature in individuals affected with ABCB4-related conditions. An algorithm developed to predict the effect of missense changes on protein structure and function (PolyPhen-2) suggests that this variant is likely to be tolerated. In summary, the available evidence is currently insufficient to determine the role of this variant in disease. Therefore, it has been classified as a Variant of Uncertain Significance.